The following is an entry in ClinVar:

NM_004385.5(VCAN):c.1560G>T (p.Leu520Phe)

Gene: VCAN (versican; plus strand). Cytogenetic location: 5q14.3.
Variant type: single nucleotide variant.
Coding change: c.1560G>T on transcript NM_004385.5 (MANE Select); coding-DNA position 1560, G replaced by T.
Protein change: p.Leu520Phe; replaces leucine 520 with phenylalanine.
Molecular consequence: missense variant. On other transcripts: intron variant (2).
Genome position (GRCh38, 1-based): chr5:83,519,866, G>T. VCF-style: chr5-83519866-G-T. GRCh37 (hg19) VCF-style: chr5-82815685-G-T.
Other names: c.1560G>T, p.Leu520Phe (NM_001164098.2); c.1042+7470G>T (NM_001164097.2, NM_001126336.3); short protein forms L520F.
Identifiers: ClinVar variation 1466758 (VCV001466758.6), dbSNP rs746423250, ClinGen allele CA3332702.

ClinVar aggregate classification (germline): Uncertain significance (1 of 4 stars; one submission).

Allele frequency attached by ClinVar (database versions not stated): gnomAD exomes below 0.00001; ExAC 0.00001; gnomAD 0.00002; TOPMed 0.00002.
gnomAD v4.1: 5 of 1,613,944 alleles (0.00031%); highest among the groups gnomAD compares: African/African-American, 0.004%; no homozygotes.

Submission:

Labcorp Genetics (formerly Invitae), Labcorp
Classification: Uncertain significance. Last evaluated: 2024-09-19. Review status: criteria provided, single submitter. Criteria: Invitae Variant Classification Sherloc (09022015). Collection method: clinical testing. Allele origin: germline.
Comment: This sequence change replaces leucine, which is neutral and non-polar, with phenylalanine, which is neutral and non-polar, at codon 520 of the VCAN protein (p.Leu520Phe). This variant is present in population databases (rs746423250, gnomAD 0.007%). This variant has not been reported in the literature in individuals affected with VCAN-related conditions. ClinVar contains an entry for this variant (Variation ID: 1466758). An algorithm developed to predict the effect of missense changes on protein structure and function outputs the following: PolyPhen-2: "Benign". The phenylalanine amino acid residue is found in multiple mammalian species, which suggests that this missense change does not adversely affect protein function. In summary, the available evidence is currently insufficient to determine the role of this variant in disease. Therefore, it has been classified as a Variant of Uncertain Significance.